The following is an entry in ClinVar:

ClinVar aggregate classification (germline): Uncertain significance (1 of 4 stars; one submission).

Submission:

Ambry Genetics
Classification: Uncertain significance. Last evaluated: 2021-10-06. Review status: criteria provided, single submitter. Criteria: Ambry Variant Classification Scheme 2023. Collection method: clinical testing. Allele origin: germline.
Comment: The p.V540A variant (also known as c.1619T>C), located in coding exon 11 of the POLQ gene, results from a T to C substitution at nucleotide position 1619. The valine at codon 540 is replaced by alanine, an amino acid with similar properties. This amino acid position is conserved. In addition, this alteration is predicted to be tolerated by in silico analysis. Since supporting evidence is limited at this time, the clinical significance of this alteration remains unclear.

NM_199420.4(POLQ):c.1619T>C (p.Val540Ala)

Gene: POLQ (DNA polymerase theta; minus strand). Cytogenetic location: 3q13.33.
Variant type: single nucleotide variant.
Coding change: c.1619T>C on transcript NM_199420.4 (MANE Select); coding-DNA position 1619, T replaced by C.
Protein change: p.Val540Ala; replaces valine 540 with alanine.
Molecular consequence: missense variant.
Genome position (GRCh38, 1-based): chr3:121,510,236, A>G on the plus strand (T>C on the coding strand, the complement: POLQ is on the minus strand). VCF-style: chr3-121510236-A-G. GRCh37 (hg19) VCF-style: chr3-121229083-A-G.
Other names: short protein forms V540A.
Identifiers: ClinVar variation 1776558 (VCV001776558.2), dbSNP rs2048243860, ClinGen allele CA354115318.